The following is an entry in ClinVar:

ClinVar aggregate classification (germline): Benign (1 of 4 stars; one submission).

Conditions:
Growth delay due to insulin-like growth factor I resistance. Also called: Insulin-Like Growth Factor I Resistance; Somatomedin end-organ insensitivity to; Somatomedin-c resistance to; IGF-1 resistance; IGF-I RESISTANCE. Identifiers: Orphanet 73273, MedGen C1849157, MONDO:0010038, OMIM 270450.

Allele frequency attached by ClinVar (database versions not stated): gnomAD exomes 0.00076; gnomAD 0.00462 and 0.00492; 1000 Genomes Project 0.00479; TOPMed 0.00507; 1000 Genomes Project 30x 0.00531.
gnomAD v4.1: 767 of 232,832 alleles (0.33%); highest among the groups gnomAD compares: African/African-American, 1.6%; 8 homozygotes.

Submission:

Illumina Laboratory Services, Illumina
Classification: Benign for Growth delay due to insulin-like growth factor I resistance. Last evaluated: 2018-01-13. Review status: criteria provided, single submitter. Criteria: ICSL Variant Classification Criteria 13 December 2019. Collection method: clinical testing. Allele origin: germline.
Comment: This variant was observed in the ICSL laboratory as part of a predisposition screen in an ostensibly healthy population. It had not been previously curated by ICSL or reported in the Human Gene Mutation Database (HGMD: prior to June 1st, 2018), and was therefore a candidate for classification through an automated scoring system. Utilizing variant allele frequency, disease prevalence and penetrance estimates, and inheritance mode, an automated score was calculated to assess if this variant is too frequent to cause the disease. Based on the score and internal cut-off values, a variant classified as benign is not then subjected to further curation. The score for this variant resulted in a classification of benign for this disease.

NM_000875.5(IGF1R):c.*1152G>A

Gene: IGF1R (insulin like growth factor 1 receptor; plus strand). Cytogenetic location: 15q26.3.
Variant type: single nucleotide variant.
Coding change: c.*1152G>A on transcript NM_000875.5 (MANE Select); 1152 bases downstream of the stop codon, G replaced by A.
Molecular consequence: 3 prime UTR variant.
Genome position (GRCh38, 1-based): chr15:98,958,594, G>A. VCF-style: chr15-98958594-G-A. GRCh37 (hg19) VCF-style: chr15-99501823-G-A.
Other names: c.*1152G>A (NM_001291858.2).
Identifiers: ClinVar variation 884977 (VCV000884977.4), dbSNP rs142778685, ClinGen allele CA275334694.